The following is an entry in ClinVar:

NM_004738.5(VAPB):c.692T>C (p.Phe231Ser)

Gene: VAPB (VAMP associated protein B and C; plus strand). Cytogenetic location: 20q13.32.
Variant type: single nucleotide variant.
Coding change: c.692T>C on transcript NM_004738.5 (MANE Select); coding-DNA position 692, T replaced by C.
Protein change: p.Phe231Ser; replaces phenylalanine 231 with serine.
Molecular consequence: missense variant. On other transcripts: 3 prime UTR variant (1), non-coding transcript variant (1).
Genome position (GRCh38, 1-based): chr20:58,444,195, T>C. VCF-style: chr20-58444195-T-C. GRCh37 (hg19) VCF-style: chr20-57019251-T-C.
Other names: c.*30T>C (NM_001195677.2); short protein forms F231S.
Identifiers: ClinVar variation 5000220 (VCV005000220.1).

ClinVar aggregate classification (germline): Uncertain significance (1 of 4 stars; one submission).

Conditions:
VAPB-related disorder. Also called: VAPB-related condition.

Submission:

PreventionGenetics, part of Exact Sciences
Classification: Uncertain significance for VAPB-related condition. Last evaluated: 2025-04-26. Review status: criteria provided, single submitter. Criteria: ACMG Guidelines, 2015. Collection method: clinical testing. Allele origin: germline.
Comment: The VAPB c.692T>C variant is predicted to result in the amino acid substitution p.Phe231Ser. To our knowledge, this variant has not been reported in the literature or in a large population database (gnomAD), indicating this variant is rare. At this time, the clinical significance of this variant is uncertain due to the absence of conclusive functional and genetic evidence.